The following is an entry in ClinVar:

ClinVar aggregate classification (germline): Uncertain significance. Review status: criteria provided, single submitter (1 of 4 stars). 2 submissions from 2 submitters: Uncertain significance (1). 1 of the submissions does not count toward it. Last evaluated 2024-01-12.

Conditions:
ATOH1-related disorder. Also called: ATOH1-related condition.

Allele frequency attached by ClinVar (database versions not stated): 1000 Genomes Project 0.00040; ExAC 0.00061; gnomAD 0.00061; 1000 Genomes Project 30x 0.00062; ESP Exome Variant Server 0.00070; TOPMed 0.00074; gnomAD exomes 0.00114.
gnomAD v4.1: 1,716 of 1,583,846 alleles (0.11%); highest among the groups gnomAD compares: Non-Finnish European, 0.13%; 5 homozygotes.

Submissions (2):

Ambry Genetics
Classification: Uncertain significance. Last evaluated: 2024-01-12. Review status: criteria provided, single submitter. Criteria: Ambry Variant Classification Scheme 2023. Collection method: clinical testing. Allele origin: germline.

PreventionGenetics, part of Exact Sciences
Classification: Likely benign for ATOH1-related condition. Last evaluated: 2022-09-15. Review status: no assertion criteria provided. Collection method: clinical testing. Allele origin: germline. Not counted in ClinVar's aggregate classification.
Comment: This variant is classified as likely benign based on ACMG/AMP sequence variant interpretation guidelines (Richards et al. 2015 PMID: 25741868, with internal and published modifications).

NM_005172.2(ATOH1):c.283C>T (p.Pro95Ser)

Gene: ATOH1 (atonal bHLH transcription factor 1; plus strand). Cytogenetic location: 4q22.2.
Variant type: single nucleotide variant.
Coding change: c.283C>T on transcript NM_005172.2 (MANE Select); coding-DNA position 283, C replaced by T.
Protein change: p.Pro95Ser; replaces proline 95 with serine.
Molecular consequence: missense variant.
Genome position (GRCh38, 1-based): chr4:93,829,209, C>T. VCF-style: chr4-93829209-C-T. GRCh37 (hg19) VCF-style: chr4-94750360-C-T.
Other names: short protein forms P95S.
Identifiers: ClinVar variation 2218234 (VCV002218234.4), dbSNP rs200577041, ClinGen allele CA3012712.